The following is an entry in ClinVar:

NM_001042492.3(NF1):c.3362A>G (p.Glu1121Gly)

Gene: NF1 (neurofibromin 1; plus strand). Cytogenetic location: 17q11.2.
Variant type: single nucleotide variant.
Coding change: c.3362A>G on transcript NM_001042492.3 (MANE Select); coding-DNA position 3362, A replaced by G.
Protein change: p.Glu1121Gly; replaces glutamic acid 1121 with glycine.
Molecular consequence: missense variant.
Genome position (GRCh38, 1-based): chr17:31,232,747, A>G. VCF-style: chr17-31232747-A-G. GRCh37 (hg19) VCF-style: chr17-29559765-A-G.
Other names: c.3362A>G, p.Glu1121Gly (NM_000267.4); short protein forms E1121G.
Identifiers: ClinVar variation 230699 (VCV000230699.14), dbSNP rs757222815, ClinGen allele CA8486158.

ClinVar aggregate classification (germline): Conflicting classifications of pathogenicity. Review status: criteria provided, conflicting classifications (1 of 4 stars). 4 submissions from 3 submitters: Uncertain significance (2); Benign (1); Likely benign (1). Last evaluated 2026-01-26.

Conditions:
Cardiovascular phenotype. Identifiers: MedGen CN230736.
Hereditary cancer-predisposing syndrome. Also called: Hereditary Cancer Syndrome; Neoplastic Syndromes, Hereditary; Tumor predisposition; Hereditary neoplastic syndrome. Identifiers: Orphanet 140162, MedGen C0027672, MeSH D009386, MONDO:0015356.
Neurofibromatosis, type 1 (NF1). Also called: Neurofibromatosis, type I; VON RECKLINGHAUSEN DISEASE; NEUROFIBROMATOSIS, TYPE I, SOMATIC; Peripheral type neurofibromatosis. Identifiers: Orphanet 636, MedGen C0027831, MONDO:0018975, OMIM 162200. Disease mechanism: loss of function.

Allele frequency attached by ClinVar (database versions not stated): gnomAD 0.00001; gnomAD exomes 0.00001 and 0.00004; ExAC 0.00003; TOPMed 0.00006.
gnomAD v4.1: 5 of 1,613,886 alleles (0.00031%); highest among the groups gnomAD compares: East Asian, 0.011%; no homozygotes.

Submissions (4):

Labcorp Genetics (formerly Invitae), Labcorp
Classification: Likely benign for Neurofibromatosis, type 1. Last evaluated: 2026-01-26. Review status: criteria provided, single submitter. Criteria: Invitae Variant Classification Sherloc (09022015). Collection method: clinical testing. Allele origin: germline.

Ambry Genetics
Classification: Benign for Cardiovascular phenotype; Hereditary cancer-predisposing syndrome. Last evaluated: 2022-12-02. Review status: criteria provided, single submitter. Criteria: Ambry Variant Classification Scheme 2023. Collection method: clinical testing. Allele origin: germline.

Genome-Nilou Lab
Classification: Uncertain significance for Neurofibromatosis, type 1. Last evaluated: 2022-03-15. Review status: criteria provided, single submitter. Criteria: ACMG Guidelines, 2015. Collection method: clinical testing. Allele origin: germline. Affected: no.

Ambry Genetics
Classification: Uncertain significance for Hereditary cancer-predisposing syndrome. Last evaluated: 2015-03-09. Review status: criteria provided, single submitter. Criteria: Ambry Autosomal Dominant and X-Linked criteria (10/2015). Collection method: clinical testing. Allele origin: germline. Observed: 1 variant allele.
Comment: Thep.E1121Gvariant (also known as c.3362A>G), located in coding exon 26 of theNF1gene, results from an A to G substitution at nucleotide position 3362. The glutamic acid at codon 1121 is replaced by glycine, an amino acid with similar properties. This alteration was reported in a father/son pair. Both of these individuals were described as having multiple caf&eacute;-au-lait spots, however, no other NF1-related clinical features were noted. The authors state that this exonic alteration produced mosaicism of E1121G and exon 20 (coding exon 26) skipping at the mRNA level due to a decreased ratio of ESE/ESSs. The mosaicism of the post-transcriptional profile was further examined using real-time PCR with cDNA obtained from this family; this assay demonstrated the skipping rate of the mutant exon in both individuals. The authors conclude that this is a disease causing mutation (Xu W,Int. J. Mol. Med.2014 Jul; 34(1):53-60.).This variant was not reported in population based cohorts in the following databases: Database of Single Nucleotide Polymorphisms (dbSNP), NHLBI Exome Sequencing Project (ESP), and 1000 Genomes Project. In the ESP, this variant was not observed in 6503 samples (13006 alleles) with coverage at this position. To date, this alteration has been detected with an allele frequency of approximately 0.003% (greater than 30000 alleles tested) in our clinical cohort. Based on protein sequence alignment, this amino acid position is highly conserved in available vertebrate species. In addition, the in silico prediction for this alteration is inconclusive. Since supporting evidence is limited at this time, the clinical significance of p.E1121G remains unclear.

Literature cited by the submitters: PubMed 24789688 (cited by Ambry Genetics).